The following is an entry in ClinVar:

NM_002907.4(RECQL):c.494G>C (p.Ser165Thr)

Gene: RECQL (RecQ like helicase; minus strand). Cytogenetic location: 12p12.1.
Variant type: single nucleotide variant.
Coding change: c.494G>C on transcript NM_002907.4 (MANE Select); coding-DNA position 494, G replaced by C.
Protein change: p.Ser165Thr; replaces serine 165 with threonine.
Molecular consequence: missense variant.
Genome position (GRCh38, 1-based): chr12:21,486,486, C>G on the plus strand (G>C on the coding strand, the complement: RECQL is on the minus strand). VCF-style: chr12-21486486-C-G. GRCh37 (hg19) VCF-style: chr12-21639420-C-G.
Other names: c.494G>C, p.Ser165Thr (NM_032941.3); short protein forms S165T.
Identifiers: ClinVar variation 3313502 (VCV003313502.1).

ClinVar aggregate classification (germline): Uncertain significance (1 of 4 stars; one submission).

Submission:

Ambry Genetics
Classification: Uncertain significance. Last evaluated: 2024-04-16. Review status: criteria provided, single submitter. Criteria: Ambry Variant Classification Scheme 2023. Collection method: clinical testing. Allele origin: germline.
Comment: The p.S165T variant (also known as c.494G>C), located in coding exon 4 of the RECQL gene, results from a G to C substitution at nucleotide position 494. The serine at codon 165 is replaced by threonine, an amino acid with similar properties. This amino acid position is conserved. In addition, the in silico prediction for this alteration is inconclusive. Based on the available evidence, the clinical significance of this variant remains unclear.